The following is an entry in ClinVar:

NM_001009944.3(PKD1):c.4285C>T (p.Pro1429Ser)

Gene: PKD1 (polycystin 1, transient receptor potential channel interacting; minus strand). Cytogenetic location: 16p13.3.
Variant type: single nucleotide variant.
Coding change: c.4285C>T on transcript NM_001009944.3 (MANE Select); coding-DNA position 4285, C replaced by T.
Protein change: p.Pro1429Ser; replaces proline 1429 with serine.
Molecular consequence: missense variant.
Genome position (GRCh38, 1-based): chr16:2,110,882, G>A on the plus strand (C>T on the coding strand, the complement: PKD1 is on the minus strand). VCF-style: chr16-2110882-G-A. GRCh37 (hg19) VCF-style: chr16-2160883-G-A.
Other names: p.Pro1429Ser; c.4285C>T, p.Pro1429Ser (NM_000296.4); short protein forms P1429S.
Identifiers: ClinVar variation 4684058 (VCV004684058.1).

ClinVar aggregate classification (germline): Likely benign (1 of 4 stars; one submission).

gnomAD v4.1: 5 of 1,611,702 alleles (0.00031%); highest among the groups gnomAD compares: East Asian, 0.0022%; no homozygotes.

Submission:

Mayo Clinic Laboratories, Mayo Clinic
Classification: Likely benign. Last evaluated: 2025-02-17. Review status: criteria provided, single submitter. Criteria: ACMG Guidelines, 2015. Collection method: clinical testing. Allele origin: germline. Observed: 2 variant alleles.
Comment: BP2, BP4_moderate